The following is an entry in ClinVar:

NM_001110556.2(FLNA):c.659A>G (p.Lys220Arg)

Gene: FLNA (filamin A; minus strand). Cytogenetic location: Xq28.
Variant type: single nucleotide variant.
Coding change: c.659A>G on transcript NM_001110556.2 (MANE Select); coding-DNA position 659, A replaced by G.
Protein change: p.Lys220Arg; replaces lysine 220 with arginine.
Molecular consequence: missense variant.
Genome position (GRCh38, 1-based): chrX:154,367,702, T>C on the plus strand (A>G on the coding strand, the complement: FLNA is on the minus strand). VCF-style: chrX-154367702-T-C. GRCh37 (hg19) VCF-style: chrX-153596070-T-C.
Other names: c.659A>G, p.Lys220Arg (NM_001456.4); short protein forms K220R.
Identifiers: ClinVar variation 2943233 (VCV002943233.3), dbSNP rs2522764635, ClinGen allele CA415248868.

ClinVar aggregate classification (germline): Uncertain significance (1 of 4 stars; one submission).

Conditions:
Oto-palato-digital syndrome, type II (OPD2). Also called: FACIOPALATOOSSEOUS SYNDROME; OPD II SYNDROME; Otopalatodigital Syndrome, Type II; Otopalatodigital Syndrome Type 2 (FLNA-OPD2). Identifiers: Orphanet 669, Orphanet 90652, MedGen C1844696, MONDO:0010571, OMIM 304120.
Heterotopia, periventricular, X-linked dominant (PVNH1). Also called: PERIVENTRICULAR NODULAR HETEROTOPIA 1; X-linked periventricular heterotopia; PERIVENTRICULAR NODULAR HETEROTOPIA 4; HETEROTOPIA, PERIVENTRICULAR, 1. Identifiers: Orphanet 2149, Orphanet 82004, MedGen C1848213, MONDO:0010233, OMIM 300049.
Frontometaphyseal dysplasia (FMD1). Identifiers: Orphanet 1826, MedGen C0265293, MONDO:0015942.
Melnick-Needles syndrome (MNS). Also called: MELNICK-NEEDLES OSTEODYSPLASTY; OSTEODYSPLASTY OF MELNICK AND NEEDLES; Melnick-Needles Syndrome (FLNA-MNS). Identifiers: Orphanet 2484, MedGen C0025237, MONDO:0010650, OMIM 309350.

Submission:

Labcorp Genetics (formerly Invitae), Labcorp
Classification: Uncertain significance for Oto-palato-digital syndrome, type II; Heterotopia, periventricular, X-linked dominant; Frontometaphyseal dysplasia; Melnick-Needles syndrome. Last evaluated: 2024-04-15. Review status: criteria provided, single submitter. Criteria: Invitae Variant Classification Sherloc (09022015). Collection method: clinical testing. Allele origin: germline.
Comment: This sequence change replaces lysine, which is basic and polar, with arginine, which is basic and polar, at codon 220 of the FLNA protein (p.Lys220Arg). This variant is not present in population databases (gnomAD no frequency). This variant has not been reported in the literature in individuals affected with FLNA-related conditions. Advanced modeling of protein sequence and biophysical properties (such as structural, functional, and spatial information, amino acid conservation, physicochemical variation, residue mobility, and thermodynamic stability) performed at Invitae indicates that this missense variant is not expected to disrupt FLNA protein function with a negative predictive value of 95%. In summary, the available evidence is currently insufficient to determine the role of this variant in disease. Therefore, it has been classified as a Variant of Uncertain Significance.